The following is an entry in ClinVar:

NM_021267.5(CERS1):c.857C>T (p.Ala286Val)

Genes: CERS1 (ceramide synthase 1; minus strand), GDF1 (growth differentiation factor 1; minus strand). Cytogenetic location: 19p13.11.
Variant type: single nucleotide variant.
Coding change: c.857C>T on transcript NM_021267.5 (MANE Select); coding-DNA position 857, C replaced by T.
Protein change: p.Ala286Val; replaces alanine 286 with valine.
Molecular consequence: missense variant. On other transcripts: 5 prime UTR variant (1), intron variant (1).
Genome position (GRCh38, 1-based): chr19:18,879,284, G>A on the plus strand (C>T on the coding strand, the complement: CERS1 is on the minus strand). VCF-style: chr19-18879284-G-A. GRCh37 (hg19) VCF-style: chr19-18990093-G-A.
Other names: c.563C>T, p.Ala188Val (NM_001290265.2, NM_001387442.1, NM_001387443.1 and 2 more transcripts); c.857C>T, p.Ala286Val (NM_001387439.1, NM_001387440.1, NM_198207.3); c.812C>T, p.Ala271Val (NM_001387441.1); c.-466C>T (NM_001492.6); c.-313+4803C>T (NM_001387438.1); short protein forms A286V, A188V, A271V.
Identifiers: ClinVar variation 475377 (VCV000475377.10), dbSNP rs559340743, ClinGen allele CA9318133.

ClinVar aggregate classification (germline): Uncertain significance. Review status: criteria provided, multiple submitters, no conflicts (2 of 4 stars). 2 submissions from 2 submitters: Uncertain significance (2). Last evaluated 2023-11-06.

Conditions:
Progressive myoclonic epilepsy type 8. Identifiers: Orphanet 424027, MedGen C5190825, MONDO:0014545, OMIM 616230.

Allele frequency attached by ClinVar (database versions not stated): gnomAD exomes 0.00002 and 0.00005; ExAC 0.00007; gnomAD 0.00008 and 0.00010; 1000 Genomes Project 30x 0.00016; 1000 Genomes Project 0.00020; TOPMed 0.00026.
gnomAD v4.1: 52 of 1,613,364 alleles (0.0032%); highest among the groups gnomAD compares: Middle Eastern, 0.05%; no homozygotes.

Submissions (2):

Ambry Genetics
Classification: Uncertain significance. Last evaluated: 2023-11-06. Review status: criteria provided, single submitter. Criteria: Ambry Variant Classification Scheme 2023. Collection method: clinical testing. Allele origin: germline.

Labcorp Genetics (formerly Invitae), Labcorp
Classification: Uncertain significance for Progressive myoclonic epilepsy type 8. Last evaluated: 2023-08-10. Review status: criteria provided, single submitter. Criteria: Invitae Variant Classification Sherloc (09022015). Collection method: clinical testing. Allele origin: germline.
Comment: This sequence change replaces alanine, which is neutral and non-polar, with valine, which is neutral and non-polar, at codon 286 of the CERS1 protein (p.Ala286Val). This variant is present in population databases (rs559340743, gnomAD 0.02%). This variant has not been reported in the literature in individuals affected with CERS1-related conditions. ClinVar contains an entry for this variant (Variation ID: 475377). Advanced modeling of protein sequence and biophysical properties (such as structural, functional, and spatial information, amino acid conservation, physicochemical variation, residue mobility, and thermodynamic stability) performed at Invitae indicates that this missense variant is not expected to disrupt CERS1 protein function. In summary, the available evidence is currently insufficient to determine the role of this variant in disease. Therefore, it has been classified as a Variant of Uncertain Significance.